The following is an entry in ClinVar:

NM_006662.3(SRCAP):c.1454C>T (p.Ala485Val)

Gene: SRCAP (Snf2 related CREBBP activator protein; plus strand). Cytogenetic location: 16p11.2.
Variant type: single nucleotide variant.
Coding change: c.1454C>T on transcript NM_006662.3 (MANE Select); coding-DNA position 1454, C replaced by T.
Protein change: p.Ala485Val; replaces alanine 485 with valine.
Molecular consequence: missense variant.
Genome position (GRCh38, 1-based): chr16:30,711,706, C>T. VCF-style: chr16-30711706-C-T. GRCh37 (hg19) VCF-style: chr16-30723027-C-T.
Other names: short protein forms A485V.
Identifiers: ClinVar variation 2386831 (VCV002386831.5), dbSNP rs142622396, ClinGen allele CA8010994.

ClinVar aggregate classification (germline): Conflicting classifications of pathogenicity. Review status: criteria provided, conflicting classifications (1 of 4 stars). 2 submissions from 2 submitters: Uncertain significance (1); Likely benign (1). Last evaluated 2025-01-21.

Conditions:
Inborn genetic diseases. Identifiers: MedGen C0950123, MeSH D030342.

Allele frequency attached by ClinVar (database versions not stated): ExAC 0.00006; gnomAD exomes 0.00006; TOPMed 0.00006; gnomAD 0.00009; ESP Exome Variant Server 0.00015.
gnomAD v4.1: 107 of 1,613,450 alleles (0.0066%); highest among the groups gnomAD compares: African/African-American, 0.0094%; no homozygotes.

Submissions (2):

Labcorp Genetics (formerly Invitae), Labcorp
Classification: Uncertain significance. Last evaluated: 2025-01-21. Review status: criteria provided, single submitter. Criteria: Invitae Variant Classification Sherloc (09022015). Collection method: clinical testing. Allele origin: germline.
Comment: This sequence change replaces alanine, which is neutral and non-polar, with valine, which is neutral and non-polar, at codon 485 of the SRCAP protein (p.Ala485Val). This variant is present in population databases (rs142622396, gnomAD 0.01%). This variant has not been reported in the literature in individuals affected with SRCAP-related conditions. ClinVar contains an entry for this variant (Variation ID: 2386831). Invitae Evidence Modeling of protein sequence and biophysical properties (such as structural, functional, and spatial information, amino acid conservation, physicochemical variation, residue mobility, and thermodynamic stability) indicates that this missense variant is not expected to disrupt SRCAP protein function with a negative predictive value of 80%. In summary, the available evidence is currently insufficient to determine the role of this variant in disease. Therefore, it has been classified as a Variant of Uncertain Significance.

Ambry Genetics
Classification: Likely benign for Inborn genetic diseases. Last evaluated: 2021-11-23. Review status: criteria provided, single submitter. Criteria: Ambry Variant Classification Scheme 2023. Collection method: clinical testing. Allele origin: germline.